The following is an entry in ClinVar:

ClinVar aggregate classification (germline): Uncertain significance (1 of 4 stars; one submission).

Conditions:
KIDINS220-related disorder. Also called: KIDINS220-related condition.

Submission:

PreventionGenetics, part of Exact Sciences
Classification: Uncertain significance for KIDINS220-related condition. Last evaluated: 2026-06-23. Review status: criteria provided, single submitter. Criteria: ACMG Guidelines, 2015. Collection method: clinical testing. Allele origin: germline.
Comment: The KIDINS220 c.472C>A variant is predicted to result in the amino acid substitution p.Gln158Lys. To our knowledge, this variant has not been reported in the literature or in a large population database (gnomAD), indicating this variant is rare. At this time, the clinical significance of this variant is uncertain due to the absence of conclusive functional and genetic evidence.

NM_020738.4(KIDINS220):c.472C>A (p.Gln158Lys)

Gene: KIDINS220 (kinase D interacting substrate 220; minus strand). Cytogenetic location: 2p25.1.
Variant type: single nucleotide variant.
Coding change: c.472C>A on transcript NM_020738.4 (MANE Select); coding-DNA position 472, C replaced by A.
Protein change: p.Gln158Lys; replaces glutamine 158 with lysine.
Molecular consequence: missense variant. On other transcripts: non-coding transcript variant (2).
Genome position (GRCh38, 1-based): chr2:8,812,427, G>T on the plus strand (C>A on the coding strand, the complement: KIDINS220 is on the minus strand). VCF-style: chr2-8812427-G-T. GRCh37 (hg19) VCF-style: chr2-8952557-G-T.
Other names: c.475C>A, p.Gln159Lys (NM_001348729.2, NM_001348731.2, NM_001348734.2 and 3 more transcripts); c.472C>A, p.Gln158Lys (NM_001348732.2, NM_001348735.2, NM_001348738.2 and 3 more transcripts); c.346C>A, p.Gln116Lys (NM_001348736.2); short protein forms Q158K, Q116K, Q159K.
Identifiers: ClinVar variation 4999119 (VCV004999119.1).